The following is an entry in ClinVar:

NM_003482.4(KMT2D):c.9765T>C (p.His3255=)

Gene: KMT2D (lysine methyltransferase 2D; minus strand). Cytogenetic location: 12q13.12.
Variant type: single nucleotide variant.
Coding change: c.9765T>C on transcript NM_003482.4 (MANE Select); coding-DNA position 9765, T replaced by C.
Protein change: p.His3255=; no amino-acid change (histidine 3255 retained).
Molecular consequence: synonymous variant.
Genome position (GRCh38, 1-based): chr12:49,037,591, A>G on the plus strand (T>C on the coding strand, the complement: KMT2D is on the minus strand). VCF-style: chr12-49037591-A-G. GRCh37 (hg19) VCF-style: chr12-49431374-A-G.
Identifiers: ClinVar variation 211335 (VCV000211335.31), dbSNP rs146213252, ClinGen allele CA209872.
Genomic context (GRCh38, chr12:49,037,591, plus strand): 5'-CTGCTGGGCAGGCTGCAACTGTGCTGAAAGCTGCTGCTTCTTCTGCAGCTCCTTCTTCTC[A>G]TGCTCCAACAGGTCCTCAATGAGCAGGGGTAACTCGCTGGCTACCAGTGAGCTCTCCATC-3'
Protein context (NP_003473.3, residues 3245-3265): LPLLIEDLLE[His3255=]EKKELQKKQQ

ClinVar aggregate classification (germline): Benign/Likely benign. Review status: criteria provided, multiple submitters, no conflicts (2 of 4 stars). 5 submissions from 5 submitters: Benign (2); Likely benign (3). Last evaluated 2026-02-01.

Conditions:
Kabuki syndrome. Also called: Kabuki make-up syndrome; NIIKAWA-KUROKI SYNDROME. Identifiers: Orphanet 2322, MedGen C0796004, MONDO:0016512.

Allele frequency attached by ClinVar (database versions not stated): gnomAD exomes 0.00013 and 0.00031; ExAC 0.00059; ESP Exome Variant Server 0.00109; gnomAD 0.00137 and 0.00148; 1000 Genomes Project 0.00140; TOPMed 0.00148; 1000 Genomes Project 30x 0.00156.
gnomAD v4.1: 390 of 1,555,782 alleles (0.025%); highest among the groups gnomAD compares: African/African-American, 0.43%; 1 homozygote.

Submissions (5):

CeGaT Center for Human Genetics Tuebingen
Classification: Likely benign. Last evaluated: 2026-02-01. Review status: criteria provided, single submitter. Criteria: CeGaT Center For Human Genetics Tuebingen Variant Classification Criteria Version 2. Collection method: clinical testing. Allele origin: germline. Affected: yes. Observed: 2 variant alleles.
Comment: KMT2D: BP4, BP7

Labcorp Genetics (formerly Invitae), Labcorp
Classification: Likely benign for Kabuki syndrome. Last evaluated: 2026-01-13. Review status: criteria provided, single submitter. Criteria: Invitae Variant Classification Sherloc (09022015). Collection method: clinical testing. Allele origin: germline.

Blueprint Genetics
Classification: Likely benign. Last evaluated: 2024-10-31. Review status: criteria provided, single submitter. Criteria: ACMG Guidelines, 2015. Collection method: clinical testing. Allele origin: germline.

GeneDx
Classification: Benign. Last evaluated: 2020-01-31. Review status: criteria provided, single submitter. Criteria: GeneDx Variant Classification Process June 2021. Collection method: clinical testing. Allele origin: germline. Affected: yes.

Genetic Services Laboratory, University of Chicago
Classification: Benign. Last evaluated: 2017-11-21. Review status: criteria provided, single submitter. Criteria: ACMG Guidelines, 2015. Collection method: clinical testing. Allele origin: germline. Affected: no.